The following is an entry in ClinVar:

NM_032656.4(DHX37):c.3145G>A (p.Ala1049Thr)

Gene: DHX37 (DEAH-box helicase 37; minus strand). Cytogenetic location: 12q24.31.
Variant type: single nucleotide variant.
Coding change: c.3145G>A on transcript NM_032656.4 (MANE Select); coding-DNA position 3145, G replaced by A.
Protein change: p.Ala1049Thr; replaces alanine 1049 with threonine.
Molecular consequence: missense variant.
Genome position (GRCh38, 1-based): chr12:124,950,220, C>T on the plus strand (G>A on the coding strand, the complement: DHX37 is on the minus strand). VCF-style: chr12-124950220-C-T. GRCh37 (hg19) VCF-style: chr12-125434766-C-T.
Other names: short protein forms A1049T.
Identifiers: ClinVar variation 3640022 (VCV003640022.2).

ClinVar aggregate classification (germline): Uncertain significance (1 of 4 stars; one submission).

gnomAD v4.1: 92 of 1,613,728 alleles (0.0057%); highest among the groups gnomAD compares: East Asian, 0.02%; no homozygotes.

Submission:

Labcorp Genetics (formerly Invitae), Labcorp
Classification: Uncertain significance. Last evaluated: 2024-12-07. Review status: criteria provided, single submitter. Criteria: Invitae Variant Classification Sherloc (09022015). Collection method: clinical testing. Allele origin: germline.
Comment: This sequence change replaces alanine, which is neutral and non-polar, with threonine, which is neutral and polar, at codon 1049 of the DHX37 protein (p.Ala1049Thr). This variant is present in population databases (rs755379720, gnomAD 0.04%). This variant has not been reported in the literature in individuals affected with DHX37-related conditions. Invitae Evidence Modeling of protein sequence and biophysical properties (such as structural, functional, and spatial information, amino acid conservation, physicochemical variation, residue mobility, and thermodynamic stability) indicates that this missense variant is not expected to disrupt DHX37 protein function with a negative predictive value of 80%. In summary, the available evidence is currently insufficient to determine the role of this variant in disease. Therefore, it has been classified as a Variant of Uncertain Significance.